The following is an entry in ClinVar:

ClinVar aggregate classification (germline): Uncertain significance (1 of 4 stars; one submission).

Conditions:
Epileptic encephalopathy. Identifiers: MedGen C0543888, HP:0200134.

Submission:

Labcorp Genetics (formerly Invitae), Labcorp
Classification: Uncertain significance for Epileptic encephalopathy. Last evaluated: 2023-11-04. Review status: criteria provided, single submitter. Criteria: Invitae Variant Classification Sherloc (09022015). Collection method: clinical testing. Allele origin: germline.
Comment: This sequence change replaces aspartic acid, which is acidic and polar, with glycine, which is neutral and non-polar, at codon 1220 of the FASN protein (p.Asp1220Gly). This variant is not present in population databases (gnomAD no frequency). This variant has not been reported in the literature in individuals affected with FASN-related conditions. An algorithm developed to predict the effect of missense changes on protein structure and function (PolyPhen-2) suggests that this variant is likely to be tolerated. In summary, the available evidence is currently insufficient to determine the role of this variant in disease. Therefore, it has been classified as a Variant of Uncertain Significance.

NM_004104.5(FASN):c.3659A>G (p.Asp1220Gly)

Gene: FASN (fatty acid synthase; minus strand). Cytogenetic location: 17q25.3.
Variant type: single nucleotide variant.
Coding change: c.3659A>G on transcript NM_004104.5 (MANE Select); coding-DNA position 3659, A replaced by G.
Protein change: p.Asp1220Gly; replaces aspartic acid 1220 with glycine.
Molecular consequence: missense variant.
Genome position (GRCh38, 1-based): chr17:82,086,327, T>C on the plus strand (A>G on the coding strand, the complement: FASN is on the minus strand). VCF-style: chr17-82086327-T-C. GRCh37 (hg19) VCF-style: chr17-80044203-T-C.
Other names: short protein forms D1220G.
Identifiers: ClinVar variation 2693120 (VCV002693120.3), dbSNP rs2509835808, ClinGen allele CA401551501.